The following is an entry in ClinVar:

ClinVar aggregate classification (germline): Uncertain significance. Review status: criteria provided, multiple submitters, no conflicts (2 of 4 stars). 2 submissions from 2 submitters: Uncertain significance (2). Last evaluated 2026-03-17.

Conditions:
SCN11A-related disorder. Also called: SCN11A-related condition.
Hereditary sensory and autonomic neuropathy type 7. Also called: HSAN VII; Neuropathy, hereditary sensory and autonomic, type VII. Identifiers: Orphanet 391397, MedGen C3809882, MONDO:0014244, OMIM 615548.
Familial episodic pain syndrome with predominantly lower limb involvement. Also called: Episodic pain syndrome, familial, 3. Identifiers: Orphanet 391384, Orphanet 391392, MedGen C3809899, MONDO:0014247, OMIM 615552.

gnomAD v4.1: 12 of 1,614,124 alleles (0.00074%); highest among the groups gnomAD compares: African/African-American, 0.016%; no homozygotes.

Submissions (2):

PreventionGenetics, part of Exact Sciences
Classification: Uncertain significance for SCN11A-related condition. Last evaluated: 2026-03-17. Review status: criteria provided, single submitter. Criteria: ACMG Guidelines, 2015. Collection method: clinical testing. Allele origin: germline.
Comment: The SCN11A c.2660T>C variant is predicted to result in the amino acid substitution p.Met887Thr. To our knowledge, this variant has not been reported in the literature. This variant is reported in 0.037% of alleles in individuals of African descent in gnomAD. Although we suspect that this variant may be benign, at this time, the clinical significance of this variant is uncertain due to the absence of conclusive functional and genetic evidence.

Labcorp Genetics (formerly Invitae), Labcorp
Classification: Uncertain significance for Familial episodic pain syndrome with predominantly lower limb involvement; Hereditary sensory and autonomic neuropathy type 7. Last evaluated: 2024-04-12. Review status: criteria provided, single submitter. Criteria: Invitae Variant Classification Sherloc (09022015). Collection method: clinical testing. Allele origin: germline.
Comment: This sequence change replaces methionine, which is neutral and non-polar, with threonine, which is neutral and polar, at codon 887 of the SCN11A protein (p.Met887Thr). This variant is present in population databases (rs191848890, gnomAD 0.04%). This variant has not been reported in the literature in individuals affected with SCN11A-related conditions. Algorithms developed to predict the effect of missense changes on protein structure and function output the following: SIFT: "Not Available"; PolyPhen-2: "Benign"; Align-GVGD: "Not Available". The threonine amino acid residue is found in multiple mammalian species, which suggests that this missense change does not adversely affect protein function. In summary, the available evidence is currently insufficient to determine the role of this variant in disease. Therefore, it has been classified as a Variant of Uncertain Significance.

NM_001349253.2(SCN11A):c.2660T>C (p.Met887Thr)

Gene: SCN11A (sodium voltage-gated channel alpha subunit 11; minus strand). Cytogenetic location: 3p22.2.
Variant type: single nucleotide variant.
Coding change: c.2660T>C on transcript NM_001349253.2 (MANE Select); coding-DNA position 2660, T replaced by C.
Protein change: p.Met887Thr; replaces methionine 887 with threonine.
Molecular consequence: missense variant.
Genome position (GRCh38, 1-based): chr3:38,894,708, A>G on the plus strand (T>C on the coding strand, the complement: SCN11A is on the minus strand). VCF-style: chr3-38894708-A-G. GRCh37 (hg19) VCF-style: chr3-38936199-A-G.
Other names: c.2660T>C, p.Met887Thr (NM_014139.3); c.2660T>C (NM_014139.2); short protein forms M887T.
Identifiers: ClinVar variation 3758702 (VCV003758702.3).